The following is an entry in ClinVar:

NM_024700.4(SNIP1):c.584T>G (p.Val195Gly)

Genes: SNIP1 (Smad nuclear interacting protein 1; minus strand), LOC126805704 (BRD4-independent group 4 enhancer GRCh37_chr1:38005292-38006491; plus strand). Cytogenetic location: 1p34.3.
Variant type: single nucleotide variant.
Coding change: c.584T>G on transcript NM_024700.4 (MANE Select); coding-DNA position 584, T replaced by G.
Protein change: p.Val195Gly; replaces valine 195 with glycine.
Molecular consequence: missense variant.
Genome position (GRCh38, 1-based): chr1:37,540,499, A>C on the plus strand (T>G on the coding strand, the complement: SNIP1 is on the minus strand). VCF-style: chr1-37540499-A-C. GRCh37 (hg19) VCF-style: chr1-38006100-A-C.
Other names: c.584T>G (NM_024700.2); short protein forms V195G.
Identifiers: ClinVar variation 1413676 (VCV001413676.8), dbSNP rs113100619, ClinGen allele CA771300.

ClinVar aggregate classification (germline): Uncertain significance. Review status: criteria provided, multiple submitters, no conflicts (2 of 4 stars). 2 submissions from 2 submitters: Uncertain significance (2). Last evaluated 2024-09-06.

Allele frequency attached by ClinVar (database versions not stated): ExAC 0.00005; gnomAD exomes 0.00006 and 0.00016; TOPMed 0.00010; gnomAD 0.00013.
gnomAD v4.1: 247 of 1,613,752 alleles (0.015%); highest among the groups gnomAD compares: Non-Finnish European, 0.019%; 1 homozygote.

Submissions (2):

Labcorp Genetics (formerly Invitae), Labcorp
Classification: Uncertain significance. Last evaluated: 2024-09-06. Review status: criteria provided, single submitter. Criteria: Invitae Variant Classification Sherloc (09022015). Collection method: clinical testing. Allele origin: germline.
Comment: This sequence change replaces valine, which is neutral and non-polar, with glycine, which is neutral and non-polar, at codon 195 of the SNIP1 protein (p.Val195Gly). This variant is present in population databases (rs113100619, gnomAD 0.02%). This variant has not been reported in the literature in individuals affected with SNIP1-related conditions. ClinVar contains an entry for this variant (Variation ID: 1413676). Invitae Evidence Modeling of protein sequence and biophysical properties (such as structural, functional, and spatial information, amino acid conservation, physicochemical variation, residue mobility, and thermodynamic stability) indicates that this missense variant is not expected to disrupt SNIP1 protein function with a negative predictive value of 80%. In summary, the available evidence is currently insufficient to determine the role of this variant in disease. Therefore, it has been classified as a Variant of Uncertain Significance.

Ambry Genetics
Classification: Uncertain significance. Last evaluated: 2023-04-20. Review status: criteria provided, single submitter. Criteria: Ambry Variant Classification Scheme 2023. Collection method: clinical testing. Allele origin: germline.